The following is an entry in ClinVar:

NM_001377.3(DYNC2H1):c.10465C>T (p.Arg3489Trp)

Gene: DYNC2H1 (dynein cytoplasmic 2 heavy chain 1; plus strand). Cytogenetic location: 11q22.3.
Variant type: single nucleotide variant.
Coding change: c.10465C>T on transcript NM_001377.3 (MANE Select); coding-DNA position 10465, C replaced by T.
Protein change: p.Arg3489Trp; replaces arginine 3489 with tryptophan.
Molecular consequence: missense variant.
Genome position (GRCh38, 1-based): chr11:103,257,611, C>T. VCF-style: chr11-103257611-C-T. GRCh37 (hg19) VCF-style: chr11-103128340-C-T.
Other names: c.10486C>T, p.Arg3496Trp (NM_001080463.2); c.10486C>T (NM_001080463.1); short protein forms R3489W, R3496W.
Identifiers: ClinVar variation 1987423 (VCV001987423.5), dbSNP rs376682072, ClinGen allele CA6254989.

ClinVar aggregate classification (germline): Uncertain significance. Review status: criteria provided, multiple submitters, no conflicts (2 of 4 stars). 3 submissions from 3 submitters: Uncertain significance (3). Last evaluated 2025-08-10.

Conditions:
Inborn genetic diseases. Identifiers: MedGen C0950123, MeSH D030342.
Jeune thoracic dystrophy. Also called: Short-rib thoracic dysplasia; Jeune syndrome; Infantile thoracic dystrophy; Thoracic pelvic phalangeal dystrophy; Jeune's syndrome; Chondroectodermal dysplasia-like syndrome. Identifiers: Orphanet 474, MedGen C0265275, MONDO:0018770.

Allele frequency attached by ClinVar (database versions not stated): gnomAD 0.00006; TOPMed 0.00007; ESP Exome Variant Server 0.00008.
gnomAD v4.1: 175 of 1,609,362 alleles (0.011%); highest among the groups gnomAD compares: Non-Finnish European, 0.013%; no homozygotes.

Submissions (3):

Ambry Genetics
Classification: Uncertain significance for Inborn genetic diseases. Last evaluated: 2025-08-10. Review status: criteria provided, single submitter. Criteria: Ambry Variant Classification Scheme 2023. Collection method: clinical testing. Allele origin: germline.

Blueprint Genetics
Classification: Uncertain significance. Last evaluated: 2023-02-06. Review status: criteria provided, single submitter. Criteria: ACMG Guidelines, 2015. Collection method: clinical testing. Allele origin: germline.

Labcorp Genetics (formerly Invitae), Labcorp
Classification: Uncertain significance for Jeune thoracic dystrophy. Last evaluated: 2022-03-29. Review status: criteria provided, single submitter. Criteria: Invitae Variant Classification Sherloc (09022015). Collection method: clinical testing. Allele origin: germline.
Comment: This sequence change replaces arginine, which is basic and polar, with tryptophan, which is neutral and slightly polar, at codon 3496 of the DYNC2H1 protein (p.Arg3496Trp). This variant is present in population databases (rs376682072, gnomAD 0.01%). This variant has not been reported in the literature in individuals affected with DYNC2H1-related conditions. Algorithms developed to predict the effect of missense changes on protein structure and function (SIFT, PolyPhen-2, Align-GVGD) all suggest that this variant is likely to be disruptive. In summary, the available evidence is currently insufficient to determine the role of this variant in disease. Therefore, it has been classified as a Variant of Uncertain Significance.